The following is an entry in ClinVar:

NM_015378.4(VPS13D):c.11181G>C (p.Leu3727Phe)

Gene: VPS13D (vacuolar protein sorting 13 homolog D; plus strand). Cytogenetic location: 1p36.22.
Variant type: single nucleotide variant.
Coding change: c.11181G>C on transcript NM_015378.4 (MANE Select); coding-DNA position 11181, G replaced by C.
Protein change: p.Leu3727Phe; replaces leucine 3727 with phenylalanine.
Molecular consequence: missense variant.
Genome position (GRCh38, 1-based): chr1:12,379,587, G>C. VCF-style: chr1-12379587-G-C. GRCh37 (hg19) VCF-style: chr1-12439641-G-C.
Other names: p.Leu3727Phe; c.11106G>C, p.Leu3702Phe (NM_018156.4); short protein forms L3702F, L3727F.
Identifiers: ClinVar variation 3979962 (VCV003979962.2).

ClinVar aggregate classification (germline): Uncertain significance. Review status: criteria provided, multiple submitters, no conflicts (2 of 4 stars). 2 submissions from 2 submitters: Uncertain significance (2). Last evaluated 2025-04-20.

Conditions:
Inborn genetic diseases. Identifiers: MedGen C0950123, MeSH D030342.

gnomAD v4.1: 74 of 1,612,240 alleles (0.0046%); highest among the groups gnomAD compares: Non-Finnish European, 0.0059%; no homozygotes.

Submissions (2):

Ambry Genetics
Classification: Uncertain significance for Inborn genetic diseases. Last evaluated: 2025-04-20. Review status: criteria provided, single submitter. Criteria: Ambry Variant Classification Scheme 2023. Collection method: clinical testing. Allele origin: germline.

Mayo Clinic Laboratories, Mayo Clinic
Classification: Uncertain significance. Last evaluated: 2025-04-01. Review status: criteria provided, single submitter. Criteria: ACMG Guidelines, 2015. Collection method: clinical testing. Allele origin: germline. Observed: 2 variant alleles.
Comment: BP4_moderate